The following is an entry in ClinVar:

ClinVar aggregate classification (germline): not provided (0 of 4 stars; one submission).

Conditions:
Juvenile onset Parkinson disease 19A. Also called: DNAJC6 Parkinson Disease; PARK19. Identifiers: Orphanet 391411, MedGen C3809811, MONDO:0014231, OMIM 615528.

Allele frequency attached by ClinVar (database versions not stated): gnomAD exomes below 0.00001.
gnomAD v4.1: 1 of 1,614,202 alleles (0.000062%); highest among the groups gnomAD compares: Non-Finnish European, 0.000085%; no homozygotes.

Submission:

GeneReviews
No classification provided. Condition: Juvenile onset Parkinson disease 19A. Review status: no classification provided. Collection method: literature only. Allele origin: germline.
Comment: Juvenile-onset parkinsonism

Literature cited by the submitters: PubMed 26703368; PubMed 33983693.

NM_001256864.2(DNAJC6):c.2365C>T (p.Gln789Ter)

Gene: DNAJC6 (DnaJ heat shock protein family (Hsp40) member C6; plus strand). Cytogenetic location: 1p31.3.
Variant type: single nucleotide variant.
Coding change: c.2365C>T on transcript NM_001256864.2 (MANE Select); coding-DNA position 2365, C replaced by T.
Protein change: p.Gln789Ter; replaces glutamine 789 with a stop codon.
Molecular consequence: nonsense.
Genome position (GRCh38, 1-based): chr1:65,406,007, C>T. VCF-style: chr1-65406007-C-T. GRCh37 (hg19) VCF-style: chr1-65871690-C-T.
Other names: c.2155C>T, p.Gln719Ter (NM_001256865.2); c.2194C>T, p.Gln732Ter (NM_014787.4); short protein forms Q719*, Q732*, Q789*.
Identifiers: ClinVar variation 1098745 (VCV001098745.2), dbSNP rs2101635253, ClinGen allele CA340716208.